The following is an entry in ClinVar:

ClinVar aggregate classification (germline): Likely benign. Review status: criteria provided, multiple submitters, no conflicts (2 of 4 stars). 3 submissions from 3 submitters: Likely benign (3). Last evaluated 2025-10-08.

Conditions:
KCNV2-related disorder. Also called: KCNV2-related condition.

Allele frequency attached by ClinVar (database versions not stated): ExAC 0.00002; gnomAD exomes 0.00002 and 0.00016; gnomAD 0.00007; TOPMed 0.00007.
gnomAD v4.1: 243 of 1,614,094 alleles (0.015%); highest among the groups gnomAD compares: Non-Finnish European, 0.02%; 1 homozygote.

Submissions (3):

Labcorp Genetics (formerly Invitae), Labcorp
Classification: Likely benign. Last evaluated: 2025-10-08. Review status: criteria provided, single submitter. Criteria: Invitae Variant Classification Sherloc (09022015). Collection method: clinical testing. Allele origin: germline.

PreventionGenetics, part of Exact Sciences
Classification: Likely benign for KCNV2-related condition. Last evaluated: 2025-05-01. Review status: criteria provided, single submitter. Criteria: ACMG Guidelines, 2015. Collection method: clinical testing. Allele origin: germline.
Comment: This variant is classified as likely benign based on ACMG/AMP sequence variant interpretation guidelines (Richards et al. 2015 PMID: 25741868, with internal and published modifications).

Blueprint Genetics
Classification: Likely benign. Last evaluated: 2024-04-15. Review status: criteria provided, single submitter. Criteria: ACMG Guidelines, 2015. Collection method: clinical testing. Allele origin: germline.

NM_133497.4(KCNV2):c.159C>T (p.Tyr53=)

Gene: KCNV2 (potassium voltage-gated channel modifier subfamily V member 2; plus strand). Cytogenetic location: 9p24.2.
Variant type: single nucleotide variant.
Coding change: c.159C>T on transcript NM_133497.4 (MANE Select); coding-DNA position 159, C replaced by T.
Protein change: p.Tyr53=; no amino-acid change (tyrosine 53 retained).
Molecular consequence: synonymous variant.
Genome position (GRCh38, 1-based): chr9:2,717,898, C>T. VCF-style: chr9-2717898-C-T. GRCh37 (hg19) VCF-style: chr9-2717898-C-T.
Other names: c.159C>T (NM_133497.3).
Identifiers: ClinVar variation 1101573 (VCV001101573.11), dbSNP rs199694482, ClinGen allele CA4965339.